The following is an entry in ClinVar:

NM_052947.4(ALPK2):c.5762A>T (p.Glu1921Val)

Gene: ALPK2 (alpha kinase 2; minus strand). Cytogenetic location: 18q21.31.
Variant type: single nucleotide variant.
Coding change: c.5762A>T on transcript NM_052947.4 (MANE Select); coding-DNA position 5762, A replaced by T.
Protein change: p.Glu1921Val; replaces glutamic acid 1921 with valine.
Molecular consequence: missense variant.
Genome position (GRCh38, 1-based): chr18:58,517,086, T>A on the plus strand (A>T on the coding strand, the complement: ALPK2 is on the minus strand). VCF-style: chr18-58517086-T-A. GRCh37 (hg19) VCF-style: chr18-56184318-T-A.
Other names: short protein forms E1921V.
Identifiers: ClinVar variation 3530580 (VCV003530580.1).

ClinVar aggregate classification (germline): Uncertain significance (1 of 4 stars; one submission).

Submission:

Ambry Genetics
Classification: Uncertain significance. Last evaluated: 2024-06-30. Review status: criteria provided, single submitter. Criteria: Ambry Variant Classification Scheme 2023. Collection method: clinical testing. Allele origin: germline.
Comment: The p.E1921V variant (also known as c.5762A>T), located in coding exon 8 of the ALPK2 gene, results from an A to T substitution at nucleotide position 5762. The glutamic acid at codon 1921 is replaced by valine, an amino acid with dissimilar properties. This amino acid position is conserved. In addition, the in silico prediction for this alteration is inconclusive. Based on the available evidence, the clinical significance of this variant remains unclear.